The following is an entry in ClinVar:

NM_001171.6(ABCC6):c.4391T>C (p.Met1464Thr)

Genes: ABCC6 (ATP binding cassette subfamily C member 6; minus strand), LOC125146421 (Sharpr-MPRA regulatory region 15590; plus strand). Cytogenetic location: 16p13.11.
Variant type: single nucleotide variant.
Coding change: c.4391T>C on transcript NM_001171.6 (MANE Select); coding-DNA position 4391, T replaced by C.
Protein change: p.Met1464Thr; replaces methionine 1464 with threonine.
Molecular consequence: missense variant. On other transcripts: non-coding transcript variant (1).
Genome position (GRCh38, 1-based): chr16:16,150,590, A>G on the plus strand (T>C on the coding strand, the complement: ABCC6 is on the minus strand). VCF-style: chr16-16150590-A-G. GRCh37 (hg19) VCF-style: chr16-16244447-A-G.
Other names: c.4049T>C, p.Met1350Thr (NM_001351800.1); short protein forms M1350T, M1464T.
Identifiers: ClinVar variation 1400391 (VCV001400391.4), dbSNP rs774296589, ClinGen allele CA7925210.

ClinVar aggregate classification (germline): Uncertain significance. Review status: criteria provided, multiple submitters, no conflicts (2 of 4 stars). 2 submissions from 2 submitters: Uncertain significance (2). Last evaluated 2024-04-22.

Conditions:
Autosomal recessive inherited pseudoxanthoma elasticum (PXE). Identifiers: Orphanet 758, MedGen CN032334, MONDO:0009925, OMIM 264800.
Pseudoxanthoma elasticum, forme fruste. Also called: Pseudoxanthoma Elasticum, Incomplete; PSEUDOXANTHOMA ELASTICUM, HETEROZYGOUS. Identifiers: Orphanet 758, MedGen C1867450, MONDO:0008333, OMIM 177850.
Arterial calcification, generalized, of infancy, 2. Identifiers: Orphanet 51608, MedGen C3276161, MONDO:0013768, OMIM 614473.

Allele frequency attached by ClinVar (database versions not stated): ExAC 0.00002; gnomAD 0.00006 and 0.00005; gnomAD exomes 0.00001; TOPMed 0.00008.

Submissions (2):

Fulgent Genetics
Classification: Uncertain significance for Pseudoxanthoma elasticum, forme fruste; Autosomal recessive inherited pseudoxanthoma elasticum; Arterial calcification, generalized, of infancy, 2. Last evaluated: 2024-04-22. Review status: criteria provided, single submitter. Criteria: ACMG Guidelines, 2015. Collection method: clinical testing. Allele origin: germline.

Labcorp Genetics (formerly Invitae), Labcorp
Classification: Uncertain significance. Last evaluated: 2022-10-24. Review status: criteria provided, single submitter. Criteria: Invitae Variant Classification Sherloc (09022015). Collection method: clinical testing. Allele origin: germline.
Comment: This sequence change replaces methionine, which is neutral and non-polar, with threonine, which is neutral and polar, at codon 1464 of the ABCC6 protein (p.Met1464Thr). This variant is present in population databases (rs774296589, gnomAD 0.003%). This variant has not been reported in the literature in individuals affected with ABCC6-related conditions. ClinVar contains an entry for this variant (Variation ID: 1400391). Algorithms developed to predict the effect of missense changes on protein structure and function output the following: SIFT: "Deleterious"; PolyPhen-2: "Benign"; Align-GVGD: "Class C0". The threonine amino acid residue is found in multiple mammalian species, which suggests that this missense change does not adversely affect protein function. In summary, the available evidence is currently insufficient to determine the role of this variant in disease. Therefore, it has been classified as a Variant of Uncertain Significance.